The following is an entry in ClinVar:

ClinVar aggregate classification (germline): Uncertain significance (1 of 4 stars; one submission).

Conditions:
Hypertrophic cardiomyopathy 19. Also called: Familial hypertrophic cardiomyopathy 19. Identifiers: MedGen CN077603, MONDO:0013476.

Allele frequency attached by ClinVar (database versions not stated): ExAC 0.00001; gnomAD 0.00001; gnomAD exomes 0.00001; ESP Exome Variant Server 0.00008.
gnomAD v4.1: 10 of 1,611,292 alleles (0.00062%); highest among the groups gnomAD compares: African/African-American, 0.0027%; no homozygotes.

Submission:

Labcorp Genetics (formerly Invitae), Labcorp
Classification: Uncertain significance for Hypertrophic cardiomyopathy 19. Last evaluated: 2024-12-30. Review status: criteria provided, single submitter. Criteria: Invitae Variant Classification Sherloc (09022015). Collection method: clinical testing. Allele origin: germline.
Comment: This sequence change affects a donor splice site in intron 2 of the CALR3 gene. It is expected to disrupt RNA splicing. Variants that disrupt the donor or acceptor splice site typically lead to a loss of protein function (PMID: 16199547), however the current clinical and genetic evidence is not sufficient to establish whether loss-of-function variants in CALR3 cause disease. This variant is present in population databases (rs374865616, gnomAD 0.003%). This variant has not been reported in the literature in individuals affected with CALR3-related conditions. ClinVar contains an entry for this variant (Variation ID: 1507053). Algorithms developed to predict the effect of sequence changes on RNA splicing suggest that this variant may disrupt the consensus splice site. In summary, the available evidence is currently insufficient to determine the role of this variant in disease. Therefore, it has been classified as a Variant of Uncertain Significance.

Literature cited by the submitters: PubMed 16199547.

NM_145046.5(CALR3):c.193+1G>A

Gene: CALR3 (calreticulin 3; minus strand). Cytogenetic location: 19p13.11.
Variant type: single nucleotide variant.
Coding change: c.193+1G>A on transcript NM_145046.5 (MANE Select); the canonical splice donor site of the intron after coding-DNA position 193, G replaced by A.
Molecular consequence: splice donor variant.
Genome position (GRCh38, 1-based): chr19:16,495,750, C>T on the plus strand (G>A on the coding strand, the complement: CALR3 is on the minus strand). VCF-style: chr19-16495750-C-T. GRCh37 (hg19) VCF-style: chr19-16606561-C-T.
Identifiers: ClinVar variation 1507053 (VCV001507053.6), dbSNP rs374865616, ClinGen allele CA9278494.